The following is an entry in ClinVar:

ClinVar aggregate classification (germline): Uncertain significance (1 of 4 stars; one submission).

Submission:

Labcorp Genetics (formerly Invitae), Labcorp
Classification: Uncertain significance. Last evaluated: 2023-01-26. Review status: criteria provided, single submitter. Criteria: Invitae Variant Classification Sherloc (09022015). Collection method: clinical testing. Allele origin: germline.
Comment: This variant has not been reported in the literature in individuals affected with SLC32A1-related conditions. In summary, the available evidence is currently insufficient to determine the role of this variant in disease. Therefore, it has been classified as a Variant of Uncertain Significance. Algorithms developed to predict the effect of missense changes on protein structure and function (SIFT, PolyPhen-2, Align-GVGD) all suggest that this variant is likely to be tolerated. This variant is not present in population databases (gnomAD no frequency). This sequence change replaces cysteine, which is neutral and slightly polar, with tyrosine, which is neutral and polar, at codon 70 of the SLC32A1 protein (p.Cys70Tyr).

NM_080552.3(SLC32A1):c.209G>A (p.Cys70Tyr)

Gene: SLC32A1 (solute carrier family 32 member 1; plus strand). Cytogenetic location: 20q11.23.
Variant type: single nucleotide variant.
Coding change: c.209G>A on transcript NM_080552.3 (MANE Select); coding-DNA position 209, G replaced by A.
Protein change: p.Cys70Tyr; replaces cysteine 70 with tyrosine.
Molecular consequence: missense variant.
Genome position (GRCh38, 1-based): chr20:38,724,933, G>A. VCF-style: chr20-38724933-G-A. GRCh37 (hg19) VCF-style: chr20-37353576-G-A.
Other names: short protein forms C70Y.
Identifiers: ClinVar variation 2974419 (VCV002974419.3), dbSNP rs2515235490, ClinGen allele CA408902086.